The following is an entry in ClinVar:

ClinVar aggregate classification (germline): Likely benign (0 of 4 stars; one submission).

Conditions:
FBRSL1-related disorder. Also called: FBRSL1-related condition.

Allele frequency attached by ClinVar (database versions not stated): 1000 Genomes Project 0.00020; ExAC 0.00037; TOPMed 0.00083; gnomAD 0.00087; 1000 Genomes Project 30x 0.00109; gnomAD exomes 0.00136.
gnomAD v4.1: 1,934 of 1,488,232 alleles (0.13%); highest among the groups gnomAD compares: Non-Finnish European, 0.16%; 1 homozygote.

Submission:

PreventionGenetics, part of Exact Sciences
Classification: Likely benign for FBRSL1-related condition. Last evaluated: 2023-03-20. Review status: no assertion criteria provided. Collection method: clinical testing. Allele origin: germline.
Comment: This variant is classified as likely benign based on ACMG/AMP sequence variant interpretation guidelines (Richards et al. 2015 PMID: 25741868, with internal and published modifications).

NM_001367871.1(FBRSL1):c.845G>A (p.Arg282His)

Gene: FBRSL1 (fibrosin like 1; plus strand). Cytogenetic location: 12q24.33.
Variant type: single nucleotide variant.
Coding change: c.845G>A on transcript NM_001367871.1 (MANE Select); coding-DNA position 845, G replaced by A.
Protein change: p.Arg282His; replaces arginine 282 with histidine.
Molecular consequence: missense variant.
Genome position (GRCh38, 1-based): chr12:132,570,079, G>A. VCF-style: chr12-132570079-G-A. GRCh37 (hg19) VCF-style: chr12-133146665-G-A.
Other names: c.845G>A, p.Arg282His (NM_001142641.2, NM_001382739.1, NM_001382740.1); short protein forms R282H.
Identifiers: ClinVar variation 3046268 (VCV003046268.2), dbSNP rs180891480, ClinGen allele CA6890885.